The following is an entry in ClinVar:

NM_000455.5(STK11):c.854T>G (p.Leu285Arg)

Gene: STK11 (serine/threonine kinase 11; plus strand). Cytogenetic location: 19p13.3.
Variant type: single nucleotide variant.
Coding change: c.854T>G on transcript NM_000455.5 (MANE Select); coding-DNA position 854, T replaced by G.
Protein change: p.Leu285Arg; replaces leucine 285 with arginine.
Molecular consequence: missense variant.
Genome position (GRCh38, 1-based): chr19:1,221,332, T>G. VCF-style: chr19-1221332-T-G. GRCh37 (hg19) VCF-style: chr19-1221331-T-G.
Other names: short protein forms L285R.
Identifiers: ClinVar variation 628472 (VCV000628472.8), dbSNP rs1555738724, ClinGen allele CA402950752.

ClinVar aggregate classification (germline): Conflicting classifications of pathogenicity. Review status: criteria provided, conflicting classifications (1 of 4 stars). 2 submissions from 2 submitters: Likely pathogenic (1); Uncertain significance (1). Last evaluated 2022-10-12.

Conditions:
Hereditary cancer-predisposing syndrome. Also called: Tumor predisposition; Neoplastic Syndromes, Hereditary; Hereditary Cancer Syndrome; Hereditary neoplastic syndrome. Identifiers: Orphanet 140162, MedGen C0027672, MeSH D009386, MONDO:0015356.
Peutz-Jeghers syndrome (PJS). Also called: POLYPOSIS, HAMARTOMATOUS INTESTINAL; POLYPS-AND-SPOTS SYNDROME; Peutz-Jeghers polyposis; Periorificial lentiginosis syndrome. Identifiers: Orphanet 2869, MedGen C0031269, MeSH D010580, MONDO:0008280, OMIM 175200.

Submissions (2):

Labcorp Genetics (formerly Invitae), Labcorp
Classification: Likely pathogenic for Peutz-Jeghers syndrome. Last evaluated: 2022-10-12. Review status: criteria provided, single submitter. Criteria: Invitae Variant Classification Sherloc (09022015). Collection method: clinical testing. Allele origin: germline.
Comment: Advanced modeling of protein sequence and biophysical properties (such as structural, functional, and spatial information, amino acid conservation, physicochemical variation, residue mobility, and thermodynamic stability) performed at Invitae indicates that this missense variant is expected to disrupt STK11 protein function. ClinVar contains an entry for this variant (Variation ID: 628472). This missense change has been observed in individual(s) with Peutz-Jeghers syndrome (Invitae). This variant is not present in population databases (gnomAD no frequency). This sequence change replaces leucine, which is neutral and non-polar, with arginine, which is basic and polar, at codon 285 of the STK11 protein (p.Leu285Arg). This variant disrupts the p.Leu285 amino acid residue in STK11. Other variant(s) that disrupt this residue have been observed in individuals with STK11-related conditions (PMID: 17026623, 26430231; Invitae), which suggests that this may be a clinically significant amino acid residue. In summary, the currently available evidence indicates that the variant is pathogenic, but additional data are needed to prove that conclusively. Therefore, this variant has been classified as Likely Pathogenic.

Color Diagnostics, LLC DBA Color Health
Classification: Uncertain significance for Hereditary cancer-predisposing syndrome. Last evaluated: 2019-04-09. Review status: criteria provided, single submitter. Criteria: ACMG Guidelines, 2015. Collection method: clinical testing. Allele origin: germline.

Literature cited by the submitters: PubMed 17026623 (cited by Labcorp Genetics (formerly Invitae), Labcorp); PubMed 26430231 (cited by Labcorp Genetics (formerly Invitae), Labcorp).